The following is an entry in ClinVar:

Conditions:
Breast-ovarian cancer, familial, susceptibility to, 1 (BROVCA1). Also called: BRCA1 Hereditary Breast and Ovarian Cancer; OVARIAN CANCER, SUSCEPTIBILITY TO. Identifiers: Orphanet 145, MedGen C2676676, MONDO:0011450, OMIM 604370. Disease mechanism: loss of function.

Submission:

Brotman Baty Institute, University of Washington
No classification provided (evidence only). Condition: Breast-ovarian cancer, familial 1. Review status: no classification provided. Collection method: in vitro. Allele origin: not applicable. Functional consequence: functionally_normal.
ClinVar note: "not provided" was previously submitted as the classification for the variant. However, the classification appeared to be based only on an observation of functional data so it was converted to no classification on 2025-07-30.

NM_007294.4(BRCA1):c.5467+9C>G

Gene: BRCA1 (BRCA1 DNA repair associated; minus strand). Cytogenetic location: 17q21.31.
Variant type: single nucleotide variant.
Coding change: c.5467+9C>G on transcript NM_007294.4 (MANE Select); 9 bases into the intron after coding-DNA position 5467, C replaced by G.
Molecular consequence: intron variant.
Genome position (GRCh38, 1-based): chr17:43,047,634, G>C on the plus strand (C>G on the coding strand, the complement: BRCA1 is on the minus strand). VCF-style: chr17-43047634-G-C. GRCh37 (hg19) VCF-style: chr17-41199651-G-C.
Other names: c.5083+9C>G (NM_001407962.1, NM_001407960.1); c.1654+9C>G (NM_001408512.1); c.1777+9C>G (NM_001408510.1); c.5257+9C>G (NM_001407885.1, NM_001407886.1, NM_001407881.1 and 5 more transcripts); c.2011+9C>G (NM_001408470.1, NM_001408469.1, NM_001408468.1); c.5320+9C>G (NM_001407848.1, NM_001407839.1, NM_001407842.1 and 12 more transcripts); c.5323+9C>G (NM_001407745.1, NM_001407737.1, NM_001407746.1 and 18 more transcripts); c.5203+9C>G (NM_001407922.1, NM_001407925.1, NM_001407921.1 and 4 more transcripts); and 83 more.
Identifiers: ClinVar variation 868533 (VCV000868533.3), dbSNP rs80358031, ClinGen allele CA916080760.